The following is an entry in ClinVar:

NM_020638.3(FGF23):c.331G>A (p.Glu111Lys)

Gene: FGF23 (fibroblast growth factor 23; minus strand). Cytogenetic location: 12p13.32.
Variant type: single nucleotide variant.
Coding change: c.331G>A on transcript NM_020638.3 (MANE Select); coding-DNA position 331, G replaced by A.
Protein change: p.Glu111Lys; replaces glutamic acid 111 with lysine.
Molecular consequence: missense variant.
Genome position (GRCh38, 1-based): chr12:4,370,768, C>T on the plus strand (G>A on the coding strand, the complement: FGF23 is on the minus strand). VCF-style: chr12-4370768-C-T. GRCh37 (hg19) VCF-style: chr12-4479934-C-T.
Other names: short protein forms E111K.
Identifiers: ClinVar variation 308807 (VCV000308807.10), dbSNP rs765478662, ClinGen allele CA6395701.
Genomic context (GRCh38, chr12:4,370,768, plus strand): 5'-GAGGAGAGTGGTAGACGTCGTACCCGTTTTCCAGCGTCTGGTGTTGGAACCTGCAGTTCT[C>T]CGGGTCGAAATAGTGCTGGAAGGACAAGAGCGAACCACGTGAAGGCTGGCAGTGGGGGCC-3'
Protein context (NP_065689.1, residues 101-121): NIFGSHYFDP[Glu111Lys]NCRFQHQTLE

ClinVar aggregate classification (germline): Conflicting classifications of pathogenicity. Review status: criteria provided, conflicting classifications (1 of 4 stars). 4 submissions from 3 submitters: Uncertain significance (3); Benign (1). Last evaluated 2026-01-13.

Conditions:
Inborn genetic diseases. Identifiers: MedGen C0950123, MeSH D030342.
Autosomal dominant hypophosphatemic rickets (ADHR). Also called: HYPOPHOSPHATEMIA, AUTOSOMAL DOMINANT; VITAMIN D-RESISTANT RICKETS, AUTOSOMAL DOMINANT. Identifiers: Orphanet 89937, MedGen C0342642, MONDO:0008660, OMIM 193100.
Tumoral calcinosis, hyperphosphatemic, familial, 2. Identifiers: MedGen C4693863, MONDO:0060714, OMIM 617993.

Allele frequency attached by ClinVar (database versions not stated): TOPMed 0.00001; gnomAD exomes 0.00002 and 0.00005; ExAC 0.00005.
gnomAD v4.1: 14 of 1,614,038 alleles (0.00087%); highest among the groups gnomAD compares: Admixed American, 0.022%; no homozygotes.

Submissions (4):

Labcorp Genetics (formerly Invitae), Labcorp
Classification: Uncertain significance. Last evaluated: 2026-01-13. Review status: criteria provided, single submitter. Criteria: Invitae Variant Classification Sherloc (09022015). Collection method: clinical testing. Allele origin: germline.
Comment: This sequence change replaces glutamic acid, which is acidic and polar, with lysine, which is basic and polar, at codon 111 of the FGF23 protein (p.Glu111Lys). This variant is present in population databases (rs765478662, gnomAD 0.04%). This variant has not been reported in the literature in individuals affected with FGF23-related conditions. ClinVar contains an entry for this variant (Variation ID: 308807). Invitae Evidence Modeling of protein sequence and biophysical properties (such as structural, functional, and spatial information, amino acid conservation, physicochemical variation, residue mobility, and thermodynamic stability) has been performed for this missense variant. However, the output from this modeling did not meet the statistical confidence thresholds required to predict the impact of this variant on FGF23 protein function. In summary, the available evidence is currently insufficient to determine the role of this variant in disease. Therefore, it has been classified as a Variant of Uncertain Significance.

Ambry Genetics
Classification: Uncertain significance for Inborn genetic diseases. Last evaluated: 2022-09-08. Review status: criteria provided, single submitter. Criteria: Ambry Variant Classification Scheme 2023. Collection method: clinical testing. Allele origin: germline.
Comment: Unlikely to be causative of FGF23-related hypophosphatemic rickets (AD). Based on insufficient or conflicting evidence, the clinical significance of this alteration remains unclear.

Illumina Laboratory Services, Illumina
Classification: Uncertain significance for Tumoral calcinosis, hyperphosphatemic, familial, 2. Last evaluated: 2018-01-12. Review status: criteria provided, single submitter. Criteria: ICSL Variant Classification Criteria 13 December 2019. Collection method: clinical testing. Allele origin: germline.

Illumina Laboratory Services, Illumina
Classification: Benign for Autosomal dominant hypophosphatemic rickets. Last evaluated: 2018-01-12. Review status: criteria provided, single submitter. Criteria: ICSL Variant Classification Criteria 13 December 2019. Collection method: clinical testing. Allele origin: germline.
Comment: This variant was observed in the ICSL laboratory as part of a predisposition screen in an ostensibly healthy population. It had not been previously curated by ICSL or reported in the Human Gene Mutation Database (HGMD: prior to June 1st, 2018), and was therefore a candidate for classification through an automated scoring system. Utilizing variant allele frequency, disease prevalence and penetrance estimates, and inheritance mode, an automated score was calculated to assess if this variant is too frequent to cause the disease. Based on the score and internal cut-off values, a variant classified as benign is not then subjected to further curation. The score for this variant resulted in a classification of benign for this disease.